The following is an entry in ClinVar:

NM_024675.4(PALB2):c.900A>G (p.Thr300=)

Gene: PALB2 (partner and localizer of BRCA2; minus strand). Cytogenetic location: 16p12.2.
Variant type: single nucleotide variant.
Coding change: c.900A>G on transcript NM_024675.4 (MANE Select); coding-DNA position 900, A replaced by G.
Protein change: p.Thr300=; no amino-acid change (threonine 300 retained).
Molecular consequence: synonymous variant.
Genome position (GRCh38, 1-based): chr16:23,635,646, T>C on the plus strand (A>G on the coding strand, the complement: PALB2 is on the minus strand). VCF-style: chr16-23635646-T-C. GRCh37 (hg19) VCF-style: chr16-23646967-T-C.
Identifiers: ClinVar variation 187401 (VCV000187401.63), dbSNP rs771660444, ClinGen allele CA197553.
Genomic context (GRCh38, chr16:23,635,646, plus strand): 5'-ATTAGAACTTGTGGGCAGTTGGCCACTTTTACTTATAGCTTTATTTACAAGGAGGTTATC[T>C]GTAGAGACAGTCATTTTTTTGCCTTGTGCCTCCAAACTTACAGGTGAAGTAAATCTAATG-3'
Protein context (NP_078951.2, residues 290-310): EAQGKKMTVS[Thr300=]DNLLVNKAIS

ClinVar aggregate classification (germline): Benign/Likely benign. Review status: criteria provided, multiple submitters, no conflicts (2 of 4 stars). 8 submissions from 8 submitters: Benign (1); Likely benign (5). 2 of the submissions do not count toward it. Last evaluated 2026-01-28.

Conditions:
Familial cancer of breast. Also called: BREAST CANCER, FAMILIAL; Hereditary breast cancer; hereditary breast carcinoma. Identifiers: Orphanet 227535, MedGen C0346153, MONDO:0016419, OMIM 114480. Disease mechanism: loss of function.
Hereditary cancer-predisposing syndrome. Also called: Hereditary Cancer Syndrome; Neoplastic Syndromes, Hereditary; Tumor predisposition; Hereditary neoplastic syndrome. Identifiers: Orphanet 140162, MedGen C0027672, MeSH D009386, MONDO:0015356.
PALB2-related disorder. Also called: PALB2-related condition; PALB2-related disorders.
Fanconi anemia complementation group N. Also called: PALB2-Related Fanconi Anemia. Identifiers: Orphanet 84, MedGen C1835817, MONDO:0012565, OMIM 610832. Disease mechanism: loss of function.
Pancreatic cancer, susceptibility to, 3. Identifiers: Orphanet 1333, MedGen C3150547, MONDO:0013236, OMIM 613348.

Allele frequency attached by ClinVar (database versions not stated): gnomAD exomes below 0.00001; ExAC 0.00001; gnomAD 0.00003 and 0.00004; TOPMed 0.00003.
gnomAD v4.1: 8 of 1,614,038 alleles (0.0005%); highest among the groups gnomAD compares: African/African-American, 0.0027%; no homozygotes.

Submissions (8):

Labcorp Genetics (formerly Invitae), Labcorp
Classification: Likely benign for Familial cancer of breast. Last evaluated: 2026-01-28. Review status: criteria provided, single submitter. Criteria: Invitae Variant Classification Sherloc (09022015). Collection method: clinical testing. Allele origin: germline.

Myriad Genetics, Inc.
Classification: Benign for Familial cancer of breast. Last evaluated: 2023-03-30. Review status: criteria provided, single submitter. Criteria: Myriad Autosomal Dominant, Autosomal Recessive and X-Linked Classification Criteria (2023). Collection method: clinical testing. Allele origin: unknown.
Comment: This variant is considered benign. This variant is a silent/synonymous amino acid change and it is not expected to impact splicing.

Fulgent Genetics
Classification: Likely benign for Familial cancer of breast; Fanconi anemia complementation group N; Pancreatic cancer, susceptibility to, 3. Last evaluated: 2022-02-15. Review status: criteria provided, single submitter. Criteria: ACMG Guidelines, 2015. Collection method: clinical testing. Allele origin: unknown.

GeneDx
Classification: Likely benign. Last evaluated: 2018-05-14. Review status: criteria provided, single submitter. Criteria: GeneDx Variant Classification Process June 2021. Collection method: clinical testing. Allele origin: germline. Affected: yes.

Color Diagnostics, LLC DBA Color Health
Classification: Likely benign for Hereditary cancer-predisposing syndrome. Last evaluated: 2016-04-26. Review status: criteria provided, single submitter. Criteria: ACMG Guidelines, 2015. Collection method: clinical testing. Allele origin: germline.

Ambry Genetics
Classification: Likely benign for Hereditary cancer-predisposing syndrome. Last evaluated: 2014-12-03. Review status: criteria provided, single submitter. Criteria: Ambry Variant Classification Scheme 2023. Collection method: clinical testing. Allele origin: germline.

PreventionGenetics, part of Exact Sciences
Classification: Likely benign for PALB2-related condition. Last evaluated: 2023-08-30. Review status: no assertion criteria provided. Collection method: clinical testing. Allele origin: germline. Not counted in ClinVar's aggregate classification.
Comment: This variant is classified as likely benign based on ACMG/AMP sequence variant interpretation guidelines (Richards et al. 2015 PMID: 25741868, with internal and published modifications).

Counsyl
Classification: Likely benign for Familial cancer of breast. Last evaluated: 2015-12-04. Review status: no assertion criteria provided. Collection method: clinical testing. Allele origin: unknown. Not counted in ClinVar's aggregate classification.